The following is an entry in ClinVar:

NM_001005242.3(PKP2):c.548G>A (p.Ser183Asn)

Gene: PKP2 (plakophilin 2; minus strand). Cytogenetic location: 12p11.21.
Variant type: single nucleotide variant.
Coding change: c.548G>A on transcript NM_001005242.3 (MANE Select); coding-DNA position 548, G replaced by A.
Protein change: p.Ser183Asn; replaces serine 183 with asparagine.
Molecular consequence: missense variant.
Genome position (GRCh38, 1-based): chr12:32,878,332, C>T on the plus strand (G>A on the coding strand, the complement: PKP2 is on the minus strand). VCF-style: chr12-32878332-C-T. GRCh37 (hg19) VCF-style: chr12-33031266-C-T.
Other names: c.548G>A, p.Ser183Asn (NM_004572.4); c.548G>A (NM_001005242.2); short protein forms S183N.
Identifiers: ClinVar variation 201974 (VCV000201974.71), dbSNP rs373222905, ClinGen allele CA012382.

ClinVar aggregate classification (germline): Conflicting classifications of pathogenicity. Review status: criteria provided, conflicting classifications (1 of 4 stars). 12 submissions from 12 submitters: Uncertain significance (11); Likely benign (1). Last evaluated 2026-01-19.

Conditions:
Cardiovascular phenotype. Identifiers: MedGen CN230736.
Arrhythmogenic right ventricular cardiomyopathy (ARVD). Also called: Arrhythmogenic right ventricular dysplasia; Cardiomyopathy, ARVC; Arrhythmogenic cardiomyopathy; Arrhythmogenic Right Ventricular Cardiomyopathy (ARVC). Identifiers: Orphanet 247, MedGen C0349788, MeSH D019571, MONDO:0016587. Disease mechanism: loss of function. Inheritance: Various modes of inheritance.
Cardiomyopathy (CMYO). Also called: Cardiomyopathies. Identifiers: Orphanet 167848, MedGen C0878544, MONDO:0004994, HP:0001638. Inheritance: Various modes of inheritance.
Arrhythmogenic right ventricular dysplasia 9 (ARVD9). Also called: Arrhythmogenic Right Ventricular Dysplasia/Cardiomyopathy 9; ARRHYTHMOGENIC RIGHT VENTRICULAR DYSPLASIA, FAMILIAL, 9. Identifiers: MedGen C1836906, MONDO:0012180, OMIM 609040.

Allele frequency attached by ClinVar (database versions not stated): gnomAD 0.00003 and 0.00004; TOPMed 0.00003; gnomAD exomes 0.00005 and 0.00008; ExAC 0.00010.
gnomAD v4.1: 79 of 1,612,914 alleles (0.0049%); highest among the groups gnomAD compares: East Asian, 0.022%; no homozygotes.

Submissions (12):

Labcorp Genetics (formerly Invitae), Labcorp
Classification: Uncertain significance for Arrhythmogenic right ventricular dysplasia 9. Last evaluated: 2026-01-19. Review status: criteria provided, single submitter. Criteria: Invitae Variant Classification Sherloc (09022015). Collection method: clinical testing. Allele origin: germline.
Comment: This sequence change replaces serine, which is neutral and polar, with asparagine, which is neutral and polar, at codon 183 of the PKP2 protein (p.Ser183Asn). This variant is present in population databases (rs373222905, gnomAD 0.1%). This missense change has been observed in individual(s) with clinical features of Brugada syndrome and/or arrhythmogenic cardiomyopathy (PMID: 24352520, 25998140, 32443836, 35712781). ClinVar contains an entry for this variant (Variation ID: 201974). An algorithm developed to predict the effect of missense changes on protein structure and function outputs the following: PolyPhen-2: "Benign". The asparagine amino acid residue is found in multiple mammalian species, which suggests that this missense change does not adversely affect protein function. Experimental studies have shown that this missense change affects PKP2 function (PMID: 24352520). In summary, the available evidence is currently insufficient to determine the role of this variant in disease. Therefore, it has been classified as a Variant of Uncertain Significance.

Ambry Genetics
Classification: Uncertain significance for Cardiovascular phenotype. Last evaluated: 2025-08-22. Review status: criteria provided, single submitter. Criteria: Ambry Variant Classification Scheme 2023. Collection method: clinical testing. Allele origin: germline.
Comment: The p.S183N variant (also known as c.548G>A), located in coding exon 3 of the PKP2 gene, results from a G to A substitution at nucleotide position 548. The serine at codon 183 is replaced by asparagine, an amino acid with highly similar properties. This variant was reported in individual(s) with features consistent with Brugada syndrome and arrhythmogenic right ventricular cardiomyopathy (Campuzano O et al. Int J Cardiol, 2016 Jul;214:403-5; Persampieri S et al. Genes (Basel), 2020 05;11:). This alteration has also been noted in whole exome sequencing cohorts Yamaguchi-Kabata Y et al. J Hum Genet, 2018 Feb;63:213-230; Kars ME et al. Proc Natl Acad Sci U S A, 2021 09;118:). Functional studies suggest that this alteration might affect sodium current; however, additional evidence is needed to confirm this finding (Cerrone M et al. Circulation, 2014 Mar;129:1092-103). This amino acid position is not well conserved in available vertebrate species. In addition, this alteration is predicted to be tolerated by in silico analysis. Since supporting evidence is limited at this time, the clinical significance of this alteration remains unclear.

Molecular Diagnostic Laboratory for Inherited Cardiovascular Disease, Montreal Heart Institute
Classification: Uncertain significance for Cardiovascular phenotype. Last evaluated: 2025-04-09. Review status: criteria provided, single submitter. Criteria: ACMG Guidelines, 2015. Collection method: clinical testing. Allele origin: germline. Affected: yes.

GeneDx
Classification: Uncertain significance. Last evaluated: 2025-03-03. Review status: criteria provided, single submitter. Criteria: GeneDx Variant Classification Process June 2021. Collection method: clinical testing. Allele origin: germline. Affected: yes.
Comment: Reported in association with Brugada syndrome and arrhythmogenic cardiomyopathy (ACM) (PMID: 24352520, 25998140, 32443836, 29940860, 35712781); Functional studies showed that p.(S183N) was unable to rescue the decrease in sodium channel current caused by PKP2 knockdown (PMID: 24352520); In silico analysis indicates that this missense variant does not alter protein structure/function; This variant is associated with the following publications: (PMID: 27085656, 25395996, 25998140, 34426522, 35052786, 31402444, 30662450, 30821013, 24352520, 32443836, 25650408, 29192238, 28471438, 29940860, 35712781)

Blueprint Genetics
Classification: Likely benign. Last evaluated: 2024-05-23. Review status: criteria provided, single submitter. Criteria: ACMG Guidelines, 2015. Collection method: clinical testing. Allele origin: germline.

All of Us Research Program, National Institutes of Health
Classification: Uncertain significance for Arrhythmogenic right ventricular cardiomyopathy. Last evaluated: 2024-01-11. Review status: criteria provided, single submitter. Criteria: ACMG Guidelines, 2015. Collection method: clinical testing. Allele origin: germline. Inheritance: Autosomal dominant inheritance. Observed: 14 variant alleles, 14 heterozygotes.
Comment: This missense variant replaces serine with asparagine at codon 183 of the PKP2 protein. Computational prediction is inconclusive regarding the impact of this variant on protein structure and function (internally defined REVEL score threshold 0.5 < inconclusive < 0.7, PMID: 27666373). To our knowledge, functional studies have not been reported for this variant. A functional study has shown that the mutant protein carrying this variant was unable to rescue the phenotype of the PKP2 knock-down cells, suggesting that this variant may have deleterious impact on the protein function (PMID: 24352520). This variant has been reported in an individual who showed spontaneous Brugada type I electrocardiogram during a febrile episode (PMID: 24352520), as well as in two individuals affected with arrhythmogenic cardiomyopathy (PMID: 32443836, 35712781). This variant has also been identified in 23/281966 chromosomes in the general population by the Genome Aggregation Database (gnomAD). The available evidence is insufficient to determine the role of this variant in disease conclusively. Therefore, this variant is classified as a Variant of Uncertain Significance.

This study involves interpretation of variants in research participants for the purpose of population health screening. Participant phenotype was not available at the time of variant classification. Additional details can be found in publication PMID: 35346344, PMCID: PMC8962531

Color Diagnostics, LLC DBA Color Health
Classification: Uncertain significance for Cardiomyopathy. Last evaluated: 2024-01-05. Review status: criteria provided, single submitter. Criteria: ACMG Guidelines, 2015. Collection method: clinical testing. Allele origin: germline.
Comment: This missense variant replaces serine with asparagine at codon 183 of the PKP2 protein. Computational prediction is inconclusive regarding the impact of this variant on protein structure and function (internally defined REVEL score threshold 0.5 < inconclusive < 0.7, PMID: 27666373). A functional study has shown that the mutant protein carrying this variant was unable to rescue the phenotype of the PKP2 knock-down cells, suggesting that this variant may have deleterious impact on the protein function (PMID: 24352520). This variant has been reported in an individual who showed spontaneous Brugada type I electrocardiogram during a febrile episode (PMID: 24352520), as well as in two individuals affected with arrhythmogenic cardiomyopathy (PMID: 32443836, 35712781). This variant has also been identified in 23/281966 chromosomes in the general population by the Genome Aggregation Database (gnomAD). The available evidence is insufficient to determine the role of this variant in disease conclusively. Therefore, this variant is classified as a Variant of Uncertain Significance.

Women's Health and Genetics/Laboratory Corporation of America, LabCorp
Classification: Uncertain significance. Last evaluated: 2022-09-26. Review status: criteria provided, single submitter. Criteria: LabCorp Variant Classification Summary - May 2015. Collection method: clinical testing. Allele origin: germline.
Comment: Variant summary: PKP2 c.548G>A (p.Ser183Asn) results in a conservative amino acid change in the encoded protein sequence. Five of five in-silico tools predict a benign effect of the variant on protein function. The variant allele was found at a frequency of 8.4e-05 in 251118 control chromosomes (gnomAD and publication data). This frequency is not significantly higher than expected for a pathogenic variant in PKP2 causing Arrhythmogenic Right Ventricular Dysplasia/Cardiomyopathy (8.4e-05 vs 0.00065), allowing no conclusion about variant significance. c.548G>A has been reported in the literature in individuals affected with Arrhythmogenic Cardiomyopathy or Brugada syndrome (Cerrone_2014, Le Scouarnec_2015, Hasdemir_2015, Persampieri_2020). These reports do not provide unequivocal conclusions about association of the variant with Arrhythmogenic Right Ventricular Dysplasia/Cardiomyopathy. At least one functional study reports experimental evidence evaluating an impact on protein function and failed to rescue the INa deficit observed in PKP2-KD cells (Cerrone_2014). Five ClinVar submitters (evaluation after 2014) cite the variant as uncertain significance. Based on the evidence outlined above, the variant was classified as uncertain significance

Fulgent Genetics
Classification: Uncertain significance for Arrhythmogenic right ventricular dysplasia 9. Last evaluated: 2021-07-20. Review status: criteria provided, single submitter. Criteria: ACMG Guidelines, 2015. Collection method: clinical testing. Allele origin: unknown.

CeGaT Center for Human Genetics Tuebingen
Classification: Uncertain significance. Last evaluated: 2019-03-01. Review status: criteria provided, single submitter. Criteria: CeGaT Center For Human Genetics Tuebingen Variant Classification Criteria Version 2. Collection method: clinical testing. Allele origin: germline. Affected: yes. Observed: 1 variant allele.

Illumina Laboratory Services, Illumina
Classification: Uncertain significance for Arrhythmogenic right ventricular dysplasia 9. Last evaluated: 2017-04-28. Review status: criteria provided, single submitter. Criteria: ICSL Variant Classification Criteria 13 December 2019. Collection method: clinical testing. Allele origin: germline.
Comment: This variant was observed as part of a predisposition screen in an ostensibly healthy population. A literature search was performed for the gene, cDNA change, and amino acid change (where applicable). Publications were found based on this search. However, the evidence from the literature, in combination with allele frequency data from public databases where available, was not sufficient to rule this variant in or out of causing disease. Therefore, this variant is classified as a variant of unknown significance.

Laboratory for Molecular Medicine, Mass General Brigham Personalized Medicine
Classification: Uncertain significance. Last evaluated: 2016-12-16. Review status: criteria provided, single submitter. Criteria: LMM Criteria. Collection method: clinical testing. Allele origin: germline.
Comment: Variant identified in a genome or exome case(s) and assessed due to predicted null impact of the variant or pathogenic assertions in the literature or databases. Disclaimer: This variant has not undergone full assessment. The following are preliminary notes: This variant is classified in HGMD as DM, related to Brugada syndrome and reported in one patient with spontaneous ECG pattern during febrile episode. An in vitro construct with this variant showed that the mutant cells could not rescue the knockdown of PKP2 and that this mutant leads to decreased sodium current. This variant is classified in ClinVar with 1 star as Pathogenic by GeneDx. The variant has a Max MAF of 0.015% in ExAC (1 allele) and 0.1% in gnomAD (10 Ashkenazi alleles). It is predicted to be benign by prediction tools. 3 mammals and 6 non-mammals have an Asn at this position.

Literature cited by the submitters: PubMed 24352520 (cited by 6 submitters); PubMed 25998140 (cited by Labcorp Genetics (formerly Invitae), Labcorp and Women's Health and Genetics/Laboratory Corporation of America, LabCorp); PubMed 32443836 (cited by 5 submitters); PubMed 35712781 (cited by 3 submitters); PubMed 27085656 (cited by 3 submitters); PubMed 29192238 (cited by Ambry Genetics); PubMed 34426522 (cited by Ambry Genetics); PubMed 36008935 (cited by Ambry Genetics); PubMed 25650408 (cited by Women's Health and Genetics/Laboratory Corporation of America, LabCorp); PubMed 28471438 (cited by Women's Health and Genetics/Laboratory Corporation of America, LabCorp); PubMed 30662450 (cited by Women's Health and Genetics/Laboratory Corporation of America, LabCorp); PubMed 25395996 (cited by Illumina Laboratory Services, Illumina).